The following is an entry in ClinVar:

ClinVar aggregate classification (germline): Likely pathogenic (1 of 4 stars; one submission).

Conditions:
Very long chain acyl-CoA dehydrogenase deficiency (ACADVLD). Also called: Very Long-Chain Acyl-Coenzyme A Dehydrogenase Deficiency; VLCAD Deficiency. Identifiers: Orphanet 26793, MedGen C3887523, MONDO:0008723, OMIM 201475.

Submission:

Myriad Genetics, Inc.
Classification: Likely pathogenic for Very long chain acyl-CoA dehydrogenase deficiency. Last evaluated: 2021-12-17. Review status: criteria provided, single submitter. Criteria: Myriad Women's Health Autosomal Recessive and X-Linked Classification Criteria (2021). Collection method: clinical testing. Allele origin: unknown.
Comment: NM_000018.3(ACADVL):c.1073delA(K358Rfs*3) is expected to be pathogenic in the context of very-long-chain acyl-CoA dehydrogenase deficiency. This variant is predicted to lead to an abnormal or absent protein product due to the creation of a premature termination codon in ACADVL, a gene where loss-of-function variants are known to be pathogenic. Please note: this variant was assessed in the context of healthy population screening.

NM_000018.4(ACADVL):c.1073del (p.Lys358fs)

Gene: ACADVL (acyl-CoA dehydrogenase very long chain; plus strand). Cytogenetic location: 17p13.1.
Variant type: Deletion.
Coding change: c.1073del on transcript NM_000018.4 (MANE Select); coding-DNA position 1073, one base deleted (A; older notation c.1073delA).
Protein change: p.Lys358fs; shifts the reading frame from lysine 358.
Molecular consequence: frameshift variant.
Genome position (GRCh38, 1-based): chr17:7,222,861, A deleted; the last of 2 consecutive A bases (chr17:7,222,860-7,222,861); deleting either gives the same sequence. VCF-style (leftmost placement, unchanged base first): chr17-7222859-TA-T. GRCh37 (hg19) VCF-style: chr17-7126178-TA-T.
Other names: c.1007del, p.Lys336fs (NM_001033859.3); c.1142del, p.Lys381fs (NM_001270447.2); c.845del, p.Lys282fs (NM_001270448.2); short protein forms K282fs, K336fs, K358fs, K381fs.
Identifiers: ClinVar variation 1726450 (VCV001726450.2), dbSNP rs2508320212, ClinGen allele CA2580094775.